The following is an entry in ClinVar:

NM_012463.4(ATP6V0A2):c.1493A>G (p.His498Arg)

Gene: ATP6V0A2 (ATPase H+ transporting V0 subunit a2; plus strand). Cytogenetic location: 12q24.31.
Variant type: single nucleotide variant.
Coding change: c.1493A>G on transcript NM_012463.4 (MANE Select); coding-DNA position 1493, A replaced by G.
Protein change: p.His498Arg; replaces histidine 498 with arginine.
Molecular consequence: missense variant.
Genome position (GRCh38, 1-based): chr12:123,744,763, A>G. VCF-style: chr12-123744763-A-G. GRCh37 (hg19) VCF-style: chr12-124229310-A-G.
Other names: short protein forms H498R.
Identifiers: ClinVar variation 1723753 (VCV001723753.2), dbSNP rs763343555, ClinGen allele CA6861938.

ClinVar aggregate classification (germline): Uncertain significance (1 of 4 stars; one submission).

Allele frequency attached by ClinVar (database versions not stated): gnomAD exomes below 0.00001; ExAC 0.00001; gnomAD 0.00002; TOPMed 0.00002.
gnomAD v4.1: 4 of 1,614,050 alleles (0.00025%); highest among the groups gnomAD compares: East Asian, 0.0045%; no homozygotes.

Submission:

GeneDx
Classification: Uncertain significance. Last evaluated: 2022-05-10. Review status: criteria provided, single submitter. Criteria: GeneDx Variant Classification Process June 2021. Collection method: clinical testing. Allele origin: germline. Affected: yes.
Comment: Has not been previously published as pathogenic or benign to our knowledge; Not observed at significant frequency in large population cohorts (gnomAD); In silico analysis supports that this missense variant does not alter protein structure/function; This variant is associated with the following publications: (PMID: 22773132)